The following is an entry in ClinVar:

NM_032776.3(JMJD1C):c.5275C>T (p.Arg1759Trp)

Gene: JMJD1C (jumonji domain containing 1C; minus strand). Cytogenetic location: 10q21.3.
Variant type: single nucleotide variant.
Coding change: c.5275C>T on transcript NM_032776.3 (MANE Select); coding-DNA position 5275, C replaced by T.
Protein change: p.Arg1759Trp; replaces arginine 1759 with tryptophan.
Molecular consequence: missense variant.
Genome position (GRCh38, 1-based): chr10:63,200,477, G>A on the plus strand (C>T on the coding strand, the complement: JMJD1C is on the minus strand). VCF-style: chr10-63200477-G-A. GRCh37 (hg19) VCF-style: chr10-64960237-G-A.
Other names: c.4729C>T, p.Arg1577Trp (NM_001282948.2, NM_001318154.2); c.4411C>T, p.Arg1471Trp (NM_001318153.2); c.5161C>T, p.Arg1721Trp (NM_001322252.2); c.4618C>T, p.Arg1540Trp (NM_001322254.2, NM_001322258.2); short protein forms R1540W, R1471W, R1577W, R1759W, R1721W.
Identifiers: ClinVar variation 2156238 (VCV002156238.4), dbSNP rs758559785, ClinGen allele CA5518127.

ClinVar aggregate classification (germline): Uncertain significance (1 of 4 stars; one submission).

Conditions:
Early Myoclonic Encephalopathy. Identifiers: MedGen C0270855.

Allele frequency attached by ClinVar (database versions not stated): gnomAD 0.00003; ExAC 0.00004; TOPMed 0.00002.
gnomAD v4.1: 27 of 1,606,832 alleles (0.0017%); highest among the groups gnomAD compares: African/African-American, 0.0067%; no homozygotes.

Submission:

Labcorp Genetics (formerly Invitae), Labcorp
Classification: Uncertain significance for Early Myoclonic Encephalopathy. Last evaluated: 2025-04-07. Review status: criteria provided, single submitter. Criteria: Invitae Variant Classification Sherloc (09022015). Collection method: clinical testing. Allele origin: germline.
Comment: This sequence change replaces arginine, which is basic and polar, with tryptophan, which is neutral and slightly polar, at codon 1759 of the JMJD1C protein (p.Arg1759Trp). The frequency data for this variant in the population databases is considered unreliable, as metrics indicate poor data quality at this position in the gnomAD database. This variant has not been reported in the literature in individuals affected with JMJD1C-related conditions. ClinVar contains an entry for this variant (Variation ID: 2156238). An algorithm developed to predict the effect of missense changes on protein structure and function (PolyPhen-2) suggests that this variant is likely to be disruptive. In summary, the available evidence is currently insufficient to determine the role of this variant in disease. Therefore, it has been classified as a Variant of Uncertain Significance.